The following is an entry in ClinVar:

NM_001330700.2(TOP2B):c.4534A>G (p.Lys1512Glu)

Gene: TOP2B (DNA topoisomerase II beta; minus strand). Cytogenetic location: 3p24.2.
Variant type: single nucleotide variant.
Coding change: c.4534A>G on transcript NM_001330700.2 (MANE Select); coding-DNA position 4534, A replaced by G.
Protein change: p.Lys1512Glu; replaces lysine 1512 with glutamic acid.
Molecular consequence: missense variant.
Genome position (GRCh38, 1-based): chr3:25,601,181, T>C on the plus strand (A>G on the coding strand, the complement: TOP2B is on the minus strand). VCF-style: chr3-25601181-T-C. GRCh37 (hg19) VCF-style: chr3-25642672-T-C.
Other names: c.4519A>G, p.Lys1507Glu (NM_001068.3); short protein forms K1507E, K1512E.
Identifiers: ClinVar variation 1914148 (VCV001914148.5), dbSNP rs745904730, ClinGen allele CA2288070.

ClinVar aggregate classification (germline): Uncertain significance (1 of 4 stars; one submission).

Allele frequency attached by ClinVar (database versions not stated): gnomAD exomes below 0.00001; ExAC 0.00002; TOPMed 0.00002; gnomAD 0.00003.
gnomAD v4.1: 5 of 1,613,714 alleles (0.00031%); highest among the groups gnomAD compares: African/African-American, 0.0053%; no homozygotes.

Submission:

Labcorp Genetics (formerly Invitae), Labcorp
Classification: Uncertain significance. Last evaluated: 2025-10-02. Review status: criteria provided, single submitter. Criteria: Invitae Variant Classification Sherloc (09022015). Collection method: clinical testing. Allele origin: germline.
Comment: This sequence change replaces lysine, which is basic and polar, with glutamic acid, which is acidic and polar, at codon 1507 of the TOP2B protein (p.Lys1507Glu). This variant is present in population databases (rs745904730, gnomAD 0.02%). This variant has not been reported in the literature in individuals affected with TOP2B-related conditions. ClinVar contains an entry for this variant (Variation ID: 1914148). An algorithm developed to predict the effect of missense changes on protein structure and function (PolyPhen-2) suggests that this variant is likely to be disruptive. In summary, the available evidence is currently insufficient to determine the role of this variant in disease. Therefore, it has been classified as a Variant of Uncertain Significance.